The following is an entry in ClinVar:

NM_013275.6(ANKRD11):c.6206G>A (p.Cys2069Tyr)

Gene: ANKRD11 (ankyrin repeat domain 11; minus strand). Cytogenetic location: 16q24.3.
Variant type: single nucleotide variant.
Coding change: c.6206G>A on transcript NM_013275.6 (MANE Select); coding-DNA position 6206, G replaced by A.
Protein change: p.Cys2069Tyr; replaces cysteine 2069 with tyrosine.
Molecular consequence: missense variant.
Genome position (GRCh38, 1-based): chr16:89,280,336, C>T on the plus strand (G>A on the coding strand, the complement: ANKRD11 is on the minus strand). VCF-style: chr16-89280336-C-T. GRCh37 (hg19) VCF-style: chr16-89346744-C-T.
Other names: c.6206G>A, p.Cys2069Tyr (NM_001256182.2, NM_001256183.2); short protein forms C2069Y.
Identifiers: ClinVar variation 1029218 (VCV001029218.1), dbSNP rs763657561, ClinGen allele CA397151724.

ClinVar aggregate classification (germline): Uncertain significance (1 of 4 stars; one submission).

Conditions:
KBG syndrome (KBGS). Also called: ANKRD11-Related KBG Syndrome. Identifiers: Orphanet 2332, MedGen C0220687, MONDO:0007846, OMIM 148050.

Submission:

Baylor Genetics
Classification: Uncertain significance for KBG syndrome. Last evaluated: 2019-04-05. Review status: criteria provided, single submitter. Criteria: ACMG Guidelines, 2015. Collection method: clinical testing. Allele origin: paternal. Affected: yes.
Comment: This variant was determined to be of uncertain significance according to ACMG Guidelines, 2015 [PMID:25741868].